The following is an entry in ClinVar:

NM_000237.3(LPL):c.898G>C (p.Gly300Arg)

Gene: LPL (lipoprotein lipase; plus strand). Cytogenetic location: 8p21.3.
Variant type: single nucleotide variant.
Coding change: c.898G>C on transcript NM_000237.3 (MANE Select); coding-DNA position 898, G replaced by C.
Protein change: p.Gly300Arg; replaces glycine 300 with arginine.
Molecular consequence: missense variant.
Genome position (GRCh38, 1-based): chr8:19,955,963, G>C. VCF-style: chr8-19955963-G-C. GRCh37 (hg19) VCF-style: chr8-19813474-G-C.
Other names: short protein forms G300R.
Identifiers: ClinVar variation 2065173 (VCV002065173.5), dbSNP rs1563576624, ClinGen allele CA370469199.
Genomic context (GRCh38, chr8:19,955,963, plus strand): 5'-TTGAATGAAGAAAATCCAAGTAAGGCCTACAGGTGCAGTTCCAAGGAAGCCTTTGAGAAA[G>C]GGCTCTGCTTGAGTTGTAGAAAGAACCGCTGCAACAATCTGGGCTATGAGATCAATAAAG-3'
Protein context (NP_000228.1, residues 290-310): RCSSKEAFEK[Gly300Arg]LCLSCRKNRC

ClinVar aggregate classification (germline): Uncertain significance. Review status: criteria provided, multiple submitters, no conflicts (2 of 4 stars). 2 submissions from 2 submitters: Uncertain significance (2). Last evaluated 2026-04-07.

Allele frequency attached by ClinVar (database versions not stated): gnomAD exomes below 0.00001.
gnomAD v4.1: 1 of 1,614,176 alleles (0.000062%); highest among the groups gnomAD compares: Non-Finnish European, 0.000085%; no homozygotes.

Submissions (2):

Women's Health and Genetics/Laboratory Corporation of America, LabCorp
Classification: Uncertain significance. Last evaluated: 2026-04-07. Review status: criteria provided, single submitter. Criteria: LabCorp Variant Classification Summary - May 2015. Collection method: clinical testing. Allele origin: germline.
Comment: Variant summary: LPL c.898G>C (p.Gly300Arg) results in a non-conservative amino acid change in the encoded protein sequence. Algorithms developed to predict the effect of missense changes on protein structure and function all suggest that this variant is likely to be disruptive. The variant was absent in 251338 control chromosomes. The available data on variant occurrences in the general population are insufficient to allow any conclusion about variant significance. c.898G>C has been observed in a setting of panel study on dyslipidemia without clinical specifics (Dron_2020). These report(s) do not provide unequivocal conclusions about association of the variant with Familial Lipoprotein Lipase Deficiency. To our knowledge, no experimental evidence demonstrating an impact on protein function has been reported. The following publication have been ascertained in the context of this evaluation (PMID: 32041611). ClinVar contains an entry for this variant (Variation ID: 2065173). Based on the evidence outlined above, the variant was classified as uncertain significance.

Labcorp Genetics (formerly Invitae), Labcorp
Classification: Uncertain significance. Last evaluated: 2022-03-01. Review status: criteria provided, single submitter. Criteria: Invitae Variant Classification Sherloc (09022015). Collection method: clinical testing. Allele origin: germline.
Comment: In summary, the available evidence is currently insufficient to determine the role of this variant in disease. Therefore, it has been classified as a Variant of Uncertain Significance. Algorithms developed to predict the effect of missense changes on protein structure and function are either unavailable or do not agree on the potential impact of this missense change (SIFT: "Deleterious"; PolyPhen-2: "Probably Damaging"; Align-GVGD: "Class C15"). This missense change has been observed in individual(s) with clinical features of dyslipidemia (PMID: 32041611). This variant is not present in population databases (gnomAD no frequency). This sequence change replaces glycine, which is neutral and non-polar, with arginine, which is basic and polar, at codon 300 of the LPL protein (p.Gly300Arg).

Literature cited by the submitters: PubMed 32041611 (cited by Women's Health and Genetics/Laboratory Corporation of America, LabCorp and Labcorp Genetics (formerly Invitae), Labcorp).